The following is an entry in ClinVar:

ClinVar aggregate classification (germline): Uncertain significance. Review status: criteria provided, multiple submitters, no conflicts (2 of 4 stars). 2 submissions from 2 submitters: Uncertain significance (2). Last evaluated 2025-05-13.

Conditions:
Inborn genetic diseases. Identifiers: MedGen C0950123, MeSH D030342.

gnomAD v4.1: 23 of 1,610,048 alleles (0.0014%); highest among the groups gnomAD compares: African/African-American, 0.031%; no homozygotes.

Submissions (2):

Women's Health and Genetics/Laboratory Corporation of America, LabCorp
Classification: Uncertain significance. Last evaluated: 2025-05-13. Review status: criteria provided, single submitter. Criteria: LabCorp Variant Classification Summary - May 2015. Collection method: clinical testing. Allele origin: germline.
Comment: Variant summary: HSPG2 c.5108G>T (p.Ser1703Ile) results in a non-conservative amino acid change in the encoded protein sequence. Algorithms developed to predict the effect of missense changes on protein structure and function are either unavailable or do not agree on the potential impact of this missense change. The variant allele was found at a frequency of 1.2e-05 in 240018 control chromosomes. The available data on variant occurrences in the general population are insufficient to allow any conclusion about variant significance. To our knowledge, no occurrence of c.5108G>T in individuals affected with Schwartz Jampel Syndrome Type 1 and no experimental evidence demonstrating its impact on protein function have been reported. No submitters have cited clinical-significance assessments for this variant to ClinVar. Based on the evidence outlined above, the variant was classified as uncertain significance.

Ambry Genetics
Classification: Uncertain significance for Inborn genetic diseases. Last evaluated: 2025-03-14. Review status: criteria provided, single submitter. Criteria: Ambry Variant Classification Scheme 2023. Collection method: clinical testing. Allele origin: germline.

NM_005529.7(HSPG2):c.5108G>T (p.Ser1703Ile)

Gene: HSPG2 (heparan sulfate proteoglycan 2; minus strand). Cytogenetic location: 1p36.12.
Variant type: single nucleotide variant.
Coding change: c.5108G>T on transcript NM_005529.7 (MANE Select); coding-DNA position 5108, G replaced by T.
Protein change: p.Ser1703Ile; replaces serine 1703 with isoleucine.
Molecular consequence: missense variant.
Genome position (GRCh38, 1-based): chr1:21,859,909, C>A on the plus strand (G>T on the coding strand, the complement: HSPG2 is on the minus strand). VCF-style: chr1-21859909-C-A. GRCh37 (hg19) VCF-style: chr1-22186402-C-A.
Other names: c.5111G>T, p.Ser1704Ile (NM_001291860.2); short protein forms S1703I, S1704I.
Identifiers: ClinVar variation 3858978 (VCV003858978.2).